The following is an entry in ClinVar:

ClinVar aggregate classification (germline): Uncertain significance. Review status: criteria provided, multiple submitters, no conflicts (2 of 4 stars). 2 submissions from 2 submitters: Uncertain significance (2). Last evaluated 2022-08-22.

Allele frequency attached by ClinVar (database versions not stated): gnomAD 0.00009; ExAC 0.00003; gnomAD exomes 0.00001; TOPMed 0.00008.
gnomAD v4.1: 36 of 1,613,192 alleles (0.0022%); highest among the groups gnomAD compares: Middle Eastern, 0.082%; no homozygotes.

Submissions (2):

Labcorp Genetics (formerly Invitae), Labcorp
Classification: Uncertain significance. Last evaluated: 2022-08-22. Review status: criteria provided, single submitter. Criteria: Invitae Variant Classification Sherloc (09022015). Collection method: clinical testing. Allele origin: germline.
Comment: This variant has not been reported in the literature in individuals affected with CRB2-related conditions. In summary, the available evidence is currently insufficient to determine the role of this variant in disease. Therefore, it has been classified as a Variant of Uncertain Significance. Advanced modeling of protein sequence and biophysical properties (such as structural, functional, and spatial information, amino acid conservation, physicochemical variation, residue mobility, and thermodynamic stability) performed at Invitae indicates that this missense variant is not expected to disrupt CRB2 protein function. This variant is present in population databases (rs772960529, gnomAD 0.02%). This sequence change replaces glutamic acid, which is acidic and polar, with lysine, which is basic and polar, at codon 792 of the CRB2 protein (p.Glu792Lys).

Breakthrough Genomics
Classification: Uncertain significance. Review status: criteria provided, single submitter. Criteria: ACMG Guidelines, 2015. Collection method: not provided. Allele origin: germline. Inheritance: Autosomal recessive inheritance. Affected: yes.

NM_173689.7(CRB2):c.2374G>A (p.Glu792Lys)

Gene: CRB2 (crumbs cell polarity complex component 2; plus strand). Cytogenetic location: 9q33.3.
Variant type: single nucleotide variant.
Coding change: c.2374G>A on transcript NM_173689.7 (MANE Select); coding-DNA position 2374, G replaced by A.
Protein change: p.Glu792Lys; replaces glutamic acid 792 with lysine.
Molecular consequence: missense variant. On other transcripts: non-coding transcript variant (1).
Genome position (GRCh38, 1-based): chr9:123,371,516, G>A. VCF-style: chr9-123371516-G-A. GRCh37 (hg19) VCF-style: chr9-126133795-G-A.
Other names: short protein forms E792K.
Identifiers: ClinVar variation 2075676 (VCV002075676.5), dbSNP rs772960529, ClinGen allele CA5232183.